The following is an entry in ClinVar:

ClinVar aggregate classification (germline): Uncertain significance (1 of 4 stars; one submission).

Conditions:
Immunodeficiency 132A. Also called: Herpes simplex encephalitis, susceptibility to, 3. Identifiers: Orphanet 1930, MedGen C3553868, MONDO:0013920, OMIM 614849.

Allele frequency attached by ClinVar (database versions not stated): gnomAD exomes below 0.00001.

Submission:

Labcorp Genetics (formerly Invitae), Labcorp
Classification: Uncertain significance for Immunodeficiency 132A. Last evaluated: 2018-11-19. Review status: criteria provided, single submitter. Criteria: Invitae Variant Classification Sherloc (09022015). Collection method: clinical testing. Allele origin: germline.
Comment: In summary, the available evidence is currently insufficient to determine the role of this variant in disease. Therefore, it has been classified as a Variant of Uncertain Significance. Nucleotide substitutions within the consensus splice site are a relatively common cause of aberrant splicing (PMID: 17576681, 9536098). Algorithms developed to predict the effect of sequence changes on RNA splicing suggest that this variant is not likely to affect RNA splicing, but this prediction has not been confirmed by published transcriptional studies. This variant has not been reported in the literature in individuals with TRAF3-related disease. This variant is not present in population databases (ExAC no frequency). This sequence change falls in intron 3 of the TRAF3 gene. It does not directly change the encoded amino acid sequence of the TRAF3 protein, but it affects a nucleotide within the consensus splice site of the intron.

Literature cited by the submitters: PubMed 17576681; PubMed 9536098.

NM_145725.3(TRAF3):c.297+6del

Gene: TRAF3 (TNF receptor associated factor 3; plus strand). Cytogenetic location: 14q32.32.
Variant type: Deletion.
Coding change: c.297+6del on transcript NM_145725.3 (MANE Select); 6 bases into the intron after coding-DNA position 297, one base deleted (C; older notation c.297+6delC).
Molecular consequence: intron variant.
Genome position (GRCh38, 1-based): chr14:102,871,974, C deleted. VCF-style (leftmost placement, unchanged base first): chr14-102871973-TC-T. GRCh37 (hg19) VCF-style: chr14-103338310-TC-T.
Other names: c.297+6del (NM_001385142.1, NM_145726.3, NM_001385143.1 and 2 more transcripts).
Identifiers: ClinVar variation 665708 (VCV000665708.9), dbSNP rs1595380677, ClinGen allele CA915946449.
Genomic context (GRCh38, chr14:102,871,973, plus strand): 5'-GCAGCTCTTCAAGTCCAAAATGTACAGCGTGTCAAGAGAGCATCGTTAAAGATAAGGTAT[TC>T]TGGGGTTTTTTTTAATCATTTTGTCACATGTTTTCAGCTGGGTAATACTTTTCACATAGT-3'